The following is an entry in ClinVar:

ClinVar aggregate classification (germline): Likely pathogenic. Review status: criteria provided, multiple submitters, no conflicts (2 of 4 stars). 2 submissions from 2 submitters: Likely pathogenic (2). Last evaluated 2021-09-07.

Conditions:
Familial adenomatous polyposis 1 (FAP1). Also called: FAMILIAL ADENOMATOUS POLYPOSIS 1, ATTENUATED; POLYPOSIS, ADENOMATOUS INTESTINAL. Identifiers: MedGen C2713442, MONDO:0021056, OMIM 175100. Disease mechanism: loss of function.

Submissions (2):

MGZ Medical Genetics Center
Classification: Likely pathogenic for Familial adenomatous polyposis 1. Last evaluated: 2021-09-07. Review status: criteria provided, single submitter. Criteria: ACMG Guidelines, 2015. Collection method: clinical testing. Allele origin: germline. Affected: yes. Observed: 1 variant allele.
Comment: ACMG criteria applied: PVS1, PM2_SUP

GeneDx
Classification: Likely pathogenic. Last evaluated: 2017-03-06. Review status: criteria provided, single submitter. Criteria: GeneDx Variant Classification (06012015). Collection method: clinical testing. Allele origin: germline. Affected: yes.
Comment: This deletion of one nucleotide in APC is denoted c.4741delT at the cDNA level and p.Ser1581LeufsX69 (S1581LfsX69) at the protein level. The normal sequence, with the base that is deleted in braces, is TATT[T]CTGC. The deletion causes a frameshift which changes a Serine to a Leucine at codon 1581, and creates a premature stop codon at position 69 of the new reading frame. Even though this frameshift occurs in the last exon of the gene, and nonsense-mediated decay is not expected to occur, it is significant since the last 1263 amino acids are no longer translated. Although this variant has not, to our knowledge, been reported in the literature, it is predicted to cause loss of normal protein function through protein truncation. Based on the currently available information, we consider this deletion to be a likely pathogenic variant.

NM_000038.6(APC):c.4741del (p.Ser1581fs)

Gene: APC (APC regulator of Wnt signaling pathway; plus strand). Cytogenetic location: 5q22.2.
Variant type: Deletion.
Coding change: c.4741del on transcript NM_000038.6 (MANE Select); coding-DNA position 4741, one base deleted (T; older notation c.4741delT).
Protein change: p.Ser1581fs; shifts the reading frame from serine 1581.
Molecular consequence: frameshift variant.
Genome position (GRCh38, 1-based): chr5:112,840,335, T deleted; the last of 3 consecutive T bases (chr5:112,840,333-112,840,335); deleting any one gives the same sequence. VCF-style (leftmost placement, unchanged base first): chr5-112840332-AT-A. GRCh37 (hg19) VCF-style: chr5-112176029-AT-A.
Other names: c.4618del, p.Ser1540fs (NM_001354900.2); c.4564del, p.Ser1522fs (NM_001354901.2); c.4438del, p.Ser1480fs (NM_001354903.2); c.4363del, p.Ser1455fs (NM_001354904.2); c.3892del, p.Ser1298fs (NM_001354906.2); c.4261del, p.Ser1421fs (NM_001354905.2); c.4468del, p.Ser1490fs (NM_001354902.2); c.4741del, p.Ser1581fs (NM_001127510.3, NM_001354895.2); and 5 more; short protein forms S1421fs, S1540fs, S1553fs, S1599fs, S1298fs, S1455fs, S1556fs, S1563fs.
Identifiers: ClinVar variation 265631 (VCV000265631.4), dbSNP rs886039682, ClinGen allele CA10588385.
Genomic context (GRCh38, chr5:112,840,332, plus strand): 5'-GAAAAGGACCTATTAGATGATTCAGATGATGATGATATTGAAATACTAGAAGAATGTATT[AT>A]TTCTGCCATGCCAACAAAGTCATCACGTAAAGCAAAAAAGCCAGCCCAGACTGCTTCAAA-3'